The following is an entry in ClinVar:

ClinVar aggregate classification (germline): Pathogenic (1 of 4 stars; one submission).

Conditions:
Poirier-Bienvenu neurodevelopmental syndrome (POBINDS). Identifiers: Orphanet 689397, MedGen C5231482, MONDO:0032889, OMIM 618732.

Submission:

Dubai Health Genomic Medicine Center, Dubai Health
Classification: Pathogenic for Poirier-Bienvenu neurodevelopmental syndrome. Last evaluated: 2024-10-04. Review status: criteria provided, single submitter. Criteria: ACMG Guidelines, 2015. Collection method: research. Allele origin: germline. Affected: yes.
Comment: PS2,PM2,PM4

NM_001320.7(CSNK2B):c.396_411delinsACTG (p.Met132_Cys137delinsIleLeu)

Gene: CSNK2B (casein kinase 2 beta; plus strand). Cytogenetic location: 6p21.33.
Variant type: Indel.
Coding change: c.396_411delinsACTG on transcript NM_001320.7 (MANE Select); coding-DNA positions 396 to 411, GGTGAAGCTCTACTGC replaced by ACTG.
Protein change: p.Met132_Cys137delinsIleLeu.
Molecular consequence: inframe indel.
Genome position (GRCh38, 1-based): chr6:31,669,347-31,669,362, GGTGAAGCTCTACTGC replaced by ACTG. VCF-style: chr6-31669347-GGTGAAGCTCTACTGC-ACTG. GRCh37 (hg19) VCF-style: chr6-31637124-GGTGAAGCTCTACTGC-ACTG.
Other names: c.387_402delinsACTG, p.Met129_Cys134delinsIleLeu (NM_001282385.2).
Identifiers: ClinVar variation 3384101 (VCV003384101.1).